The following is an entry in ClinVar:

ClinVar aggregate classification (germline): Uncertain significance (1 of 4 stars; one submission).

Conditions:
Episodic ataxia type 2 (EA2). Also called: ATAXIA, EPISODIC, WITH NYSTAGMUS; ATAXIA, FAMILIAL PAROXYSMAL; CEREBELLAR ATAXIA, PAROXYSMAL, ACETAZOLAMIDE-RESPONSIVE; CEREBELLOPATHY, HEREDITARY PAROXYSMAL; ACETAZOLAMIDE-RESPONSIVE HEREDITARY PAROXYSMAL CEREBELLAR ATAXIA; EPISODIC ATAXIA, NYSTAGMUS-ASSOCIATED. Identifiers: Orphanet 97, MedGen C1720416, MONDO:0007163, OMIM 108500.
Developmental and epileptic encephalopathy, 42 (DEE42A). Also called: DEVELOPMENTAL AND EPILEPTIC ENCEPHALOPATHY 42A; EPILEPTIC ENCEPHALOPATHY, EARLY INFANTILE, 42A; Epileptic encephalopathy, early infantile, 42. Identifiers: MedGen C4310716, MONDO:0014917, OMIM 617106.

Submission:

Labcorp Genetics (formerly Invitae), Labcorp
Classification: Uncertain significance for Developmental and epileptic encephalopathy, 42; Episodic ataxia type 2. Last evaluated: 2022-07-26. Review status: criteria provided, single submitter. Criteria: Invitae Variant Classification Sherloc (09022015). Collection method: clinical testing. Allele origin: germline.
Comment: In summary, the available evidence is currently insufficient to determine the role of this variant in disease. Therefore, it has been classified as a Variant of Uncertain Significance. Algorithms developed to predict the effect of missense changes on protein structure and function are either unavailable or do not agree on the potential impact of this missense change (SIFT: "Not Available"; PolyPhen-2: "Benign"; Align-GVGD: "Not Available"). ClinVar contains an entry for this variant (Variation ID: 1493704). This variant has not been reported in the literature in individuals affected with CACNA1A-related conditions. Information on the frequency of this variant in the gnomAD database is not available, as this variant may be reported differently in the database. This sequence change replaces glycine, which is neutral and non-polar, with valine, which is neutral and non-polar, at codon 990 of the CACNA1A protein (p.Gly990Val).

NM_001127222.2(CACNA1A):c.2966_2967delinsTT (p.Gly989Val)

Gene: CACNA1A (calcium voltage-gated channel subunit alpha1 A; minus strand). Cytogenetic location: 19p13.13.
Variant type: Indel.
Coding change: c.2966_2967delinsTT on transcript NM_001127222.2 (MANE Select); coding-DNA positions 2966 to 2967, GC replaced by TT.
Protein change: p.Gly989Val; replaces glycine 989 with valine.
Molecular consequence: missense variant.
Genome position (GRCh38, 1-based): chr19:13,298,666-13,298,667, GC replaced by AA on the plus strand (GC replaced by TT on the coding strand, the reverse complement: CACNA1A is on the minus strand). VCF-style: chr19-13298666-GC-AA. GRCh37 (hg19) VCF-style: chr19-13409480-GC-AA.
Other names: c.2978_2979delinsTT, p.Gly993Val (NM_000068.4, NM_023035.3); c.2969_2970delinsTT, p.Gly990Val (NM_001127221.2, NM_001174080.2); short protein forms G993V, G989V, G990V.
Identifiers: ClinVar variation 1493704 (VCV001493704.8), dbSNP rs2144952921, ClinGen allele CA2573156117.